The following is an entry in ClinVar:

ClinVar aggregate classification (germline): Uncertain significance (1 of 4 stars; one submission).

Conditions:
Marfan syndrome (MFS). Also called: MARFAN SYNDROME, TYPE I; Marfan syndrome type 1; Marfan's syndrome; Marfan syndrome, classic; FBN1-Related Marfan Syndrome. Identifiers: Orphanet 284963, Orphanet 558, MedGen C0024796, MONDO:0007947, OMIM 154700.
Familial thoracic aortic aneurysm and aortic dissection (TAAD). Also called: Thoracic aortic aneurysms and dissections. Identifiers: Orphanet 91387, MedGen C4707243, MONDO:0019625.

Allele frequency attached by ClinVar (database versions not stated): gnomAD exomes below 0.00001.
gnomAD v4.1: 1 of 1,613,896 alleles (0.000062%); highest among the groups gnomAD compares: Non-Finnish European, 0.000085%; no homozygotes.

Submission:

Labcorp Genetics (formerly Invitae), Labcorp
Classification: Uncertain significance for Marfan syndrome; Familial thoracic aortic aneurysm and aortic dissection. Last evaluated: 2023-12-06. Review status: criteria provided, single submitter. Criteria: Invitae Variant Classification Sherloc (09022015). Collection method: clinical testing. Allele origin: germline.
Comment: This sequence change replaces tyrosine, which is neutral and polar, with histidine, which is basic and polar, at codon 2853 of the FBN1 protein (p.Tyr2853His). This variant is not present in population databases (gnomAD no frequency). This variant has not been reported in the literature in individuals affected with FBN1-related conditions. Advanced modeling of protein sequence and biophysical properties (such as structural, functional, and spatial information, amino acid conservation, physicochemical variation, residue mobility, and thermodynamic stability) performed at Invitae indicates that this missense variant is expected to disrupt FBN1 protein function with a positive predictive value of 80%. In summary, the available evidence is currently insufficient to determine the role of this variant in disease. Therefore, it has been classified as a Variant of Uncertain Significance.

NM_000138.5(FBN1):c.8557T>C (p.Tyr2853His)

Gene: FBN1 (fibrillin 1; minus strand). Cytogenetic location: 15q21.1.
Variant type: single nucleotide variant.
Coding change: c.8557T>C on transcript NM_000138.5 (MANE Select); coding-DNA position 8557, T replaced by C.
Protein change: p.Tyr2853His; replaces tyrosine 2853 with histidine.
Molecular consequence: missense variant.
Genome position (GRCh38, 1-based): chr15:48,411,049, A>G on the plus strand (T>C on the coding strand, the complement: FBN1 is on the minus strand). VCF-style: chr15-48411049-A-G. GRCh37 (hg19) VCF-style: chr15-48703246-A-G.
Other names: c.8557T>C, p.Tyr2853His (NM_001406716.1); short protein forms Y2853H.
Identifiers: ClinVar variation 2952534 (VCV002952534.3), dbSNP rs2505370417, ClinGen allele CA392318525.